The following is an entry in ClinVar:

ClinVar aggregate classification (germline): Uncertain significance (1 of 4 stars; one submission).

Conditions:
Hypoplastic left heart syndrome. Also called: Hypoplastic left ventricle; Hypoplastic left heart. Identifiers: Orphanet 2248, MedGen C0152101, MONDO:0004933, HP:0004383.

Allele frequency attached by ClinVar (database versions not stated): gnomAD 0.00001.

Submission:

Labcorp Genetics (formerly Invitae), Labcorp
Classification: Uncertain significance for Hypoplastic left heart syndrome. Last evaluated: 2023-10-22. Review status: criteria provided, single submitter. Criteria: Invitae Variant Classification Sherloc (09022015). Collection method: clinical testing. Allele origin: germline.
Comment: This sequence change replaces phenylalanine, which is neutral and non-polar, with leucine, which is neutral and non-polar, at codon 42 of the HAND1 protein (p.Phe42Leu). This variant is not present in population databases (gnomAD no frequency). This variant has not been reported in the literature in individuals affected with HAND1-related conditions. An algorithm developed to predict the effect of missense changes on protein structure and function (PolyPhen-2) suggests that this variant is likely to be tolerated. In summary, the available evidence is currently insufficient to determine the role of this variant in disease. Therefore, it has been classified as a Variant of Uncertain Significance.

NM_004821.3(HAND1):c.126C>A (p.Phe42Leu)

Gene: HAND1 (heart and neural crest derivatives expressed 1; minus strand). Cytogenetic location: 5q33.2.
Variant type: single nucleotide variant.
Coding change: c.126C>A on transcript NM_004821.3 (MANE Select); coding-DNA position 126, C replaced by A.
Protein change: p.Phe42Leu; replaces phenylalanine 42 with leucine.
Molecular consequence: missense variant.
Genome position (GRCh38, 1-based): chr5:154,477,883, G>T on the plus strand (C>A on the coding strand, the complement: HAND1 is on the minus strand). VCF-style: chr5-154477883-G-T. GRCh37 (hg19) VCF-style: chr5-153857443-G-T.
Other names: short protein forms F42L.
Identifiers: ClinVar variation 2722451 (VCV002722451.3), dbSNP rs776751181, ClinGen allele CA361923534.